The following is an entry in ClinVar:

NM_000702.4(ATP1A2):c.2589C>T (p.Phe863=)

Gene: ATP1A2 (ATPase Na+/K+ transporting subunit alpha 2; plus strand). Cytogenetic location: 1q23.2.
Variant type: single nucleotide variant.
Coding change: c.2589C>T on transcript NM_000702.4 (MANE Select); coding-DNA position 2589, C replaced by T.
Protein change: p.Phe863=; no amino-acid change (phenylalanine 863 retained).
Molecular consequence: synonymous variant.
Genome position (GRCh38, 1-based): chr1:160,136,595, C>T. VCF-style: chr1-160136595-C-T. GRCh37 (hg19) VCF-style: chr1-160106385-C-T.
Identifiers: ClinVar variation 515328 (VCV000515328.1), dbSNP rs760872961, ClinGen allele CA1194800.

ClinVar aggregate classification (germline): Likely benign (1 of 4 stars; one submission).

Allele frequency attached by ClinVar (database versions not stated): ExAC 0.00001.

Submission:

GeneDx
Classification: Likely benign. Last evaluated: 2018-02-07. Review status: criteria provided, single submitter. Criteria: GeneDx Variant Classification (06012015). Collection method: clinical testing. Allele origin: germline. Affected: yes.
Comment: This variant is considered likely benign or benign based on one or more of the following criteria: it is a conservative change, it occurs at a poorly conserved position in the protein, it is predicted to be benign by multiple in silico algorithms, and/or has population frequency not consistent with disease.